The following is an entry in ClinVar:

NM_003190.5(TAPBP):c.1183A>C (p.Ser395Arg)

Gene: TAPBP (TAP binding protein; minus strand). Cytogenetic location: 6p21.32.
Variant type: single nucleotide variant.
Coding change: c.1183A>C on transcript NM_003190.5 (MANE Select); coding-DNA position 1183, A replaced by C.
Protein change: p.Ser395Arg; replaces serine 395 with arginine.
Molecular consequence: missense variant.
Genome position (GRCh38, 1-based): chr6:33,304,324, T>G on the plus strand (A>C on the coding strand, the complement: TAPBP is on the minus strand). VCF-style: chr6-33304324-T-G. GRCh37 (hg19) VCF-style: chr6-33272101-T-G.
Other names: c.1183A>C, p.Ser395Arg (NM_001410875.1, NM_172208.3); c.922A>C, p.Ser308Arg (NM_172209.3); short protein forms S395R, S308R.
Identifiers: ClinVar variation 2955675 (VCV002955675.3), dbSNP rs775500161, ClinGen allele CA3755704.

ClinVar aggregate classification (germline): Uncertain significance (1 of 4 stars; one submission).

Conditions:
MHC class I deficiency. Identifiers: Orphanet 34592, MedGen C6024714, MONDO:0011476.

Allele frequency attached by ClinVar (database versions not stated): TOPMed below 0.00001; ExAC 0.00001; gnomAD 0.00001.
gnomAD v4.1: 7 of 1,606,150 alleles (0.00044%); highest among the groups gnomAD compares: Admixed American, 0.0084%; no homozygotes.

Submission:

Labcorp Genetics (formerly Invitae), Labcorp
Classification: Uncertain significance for MHC class I deficiency 1. Last evaluated: 2024-01-28. Review status: criteria provided, single submitter. Criteria: Invitae Variant Classification Sherloc (09022015). Collection method: clinical testing. Allele origin: germline.
Comment: This sequence change replaces serine, which is neutral and polar, with arginine, which is basic and polar, at codon 395 of the TAPBP protein (p.Ser395Arg). This variant is present in population databases (rs775500161, gnomAD 0.006%). This variant has not been reported in the literature in individuals affected with TAPBP-related conditions. Algorithms developed to predict the effect of missense changes on protein structure and function output the following: SIFT: "Not Available"; PolyPhen-2: "Benign"; Align-GVGD: "Not Available". The arginine amino acid residue is found in multiple mammalian species, which suggests that this missense change does not adversely affect protein function. In summary, the available evidence is currently insufficient to determine the role of this variant in disease. Therefore, it has been classified as a Variant of Uncertain Significance.